The following is an entry in ClinVar:

ClinVar aggregate classification (germline): Likely pathogenic (1 of 4 stars; one submission).

Submission:

GeneDx
Classification: Likely pathogenic. Last evaluated: 2016-04-08. Review status: criteria provided, single submitter. Criteria: GeneDx Variant Classification (06012015). Collection method: clinical testing. Allele origin: germline. Affected: yes.
Comment: The N102D variant in the TRMU gene has not been reported previously as a pathogenic variant, nor as a benign variant, to our knowledge. The N102D variant was not observed in approximately 6500 individuals of European and African American ancestry in the NHLBI Exome Sequencing Project, indicating it is not a common benign variant in these populations. The N102D variant is a semi-conservative amino acid substitution, which may impact secondary protein structure as these residues differ in some properties. This substitution occurs at a position that is conserved across species. In silico analysis predicts this variant is probably damaging to the protein structure/function. The N102D variant is a strong candidate for a pathogenic variant, however the possibility it may be a rare benign variant cannot be excluded.

NM_018006.5(TRMU):c.304A>G (p.Asn102Asp)

Gene: TRMU (tRNA mitochondrial 2-thiouridylase; plus strand). Cytogenetic location: 22q13.31.
Variant type: single nucleotide variant.
Coding change: c.304A>G on transcript NM_018006.5 (MANE Select); coding-DNA position 304, A replaced by G.
Protein change: p.Asn102Asp; replaces asparagine 102 with aspartic acid.
Molecular consequence: missense variant. On other transcripts: non-coding transcript variant (1), intron variant (3).
Genome position (GRCh38, 1-based): chr22:46,343,317, A>G. VCF-style: chr22-46343317-A-G. GRCh37 (hg19) VCF-style: chr22-46739214-A-G.
Other names: c.304A>G, p.Asn102Asp (NM_001282785.2); c.14-3105A>G (NM_001282782.2); c.-6-3105A>G (NM_001282783.2, NM_001282784.2); short protein forms N102D.
Identifiers: ClinVar variation 420869 (VCV000420869.2), dbSNP rs1064794755, ClinGen allele CA16621129.